The following is an entry in ClinVar:

NM_000268.4(NF2):c.1320G>A (p.Met440Ile)

Gene: NF2 (NF2, moesin-ezrin-radixin like (MERLIN) tumor suppressor; plus strand). Cytogenetic location: 22q12.2.
Variant type: single nucleotide variant.
Coding change: c.1320G>A on transcript NM_000268.4 (MANE Select); coding-DNA position 1320, G replaced by A.
Protein change: p.Met440Ile; replaces methionine 440 with isoleucine.
Molecular consequence: missense variant. On other transcripts: non-coding transcript variant (1), intron variant (1).
Genome position (GRCh38, 1-based): chr22:29,673,466, G>A. VCF-style: chr22-29673466-G-A. GRCh37 (hg19) VCF-style: chr22-30069455-G-A.
Other names: c.1320G>A, p.Met440Ile (NM_016418.5, NM_181825.3, NM_181832.3); c.1194G>A, p.Met398Ile (NM_181828.3); c.1197G>A, p.Met399Ile (NM_181829.3); c.1071G>A, p.Met357Ile (NM_181830.3, NM_181831.3); c.448-21286G>A (NM_181833.3); short protein forms M357I, M440I, M398I, M399I.
Identifiers: ClinVar variation 1426179 (VCV001426179.8), dbSNP rs2147083988, ClinGen allele CA411148663.

ClinVar aggregate classification (germline): Uncertain significance (1 of 4 stars; one submission).

Conditions:
Neurofibromatosis, type 2 (SWNV). Also called: BILATERAL ACOUSTIC NEUROFIBROMATOSIS; SCHWANNOMATOSIS, VESTIBULAR; NF2-Related Schwannomatosis. Identifiers: Orphanet 637, MedGen C0027832, MONDO:0007039, OMIM 101000. Disease mechanism: loss of function.

Submission:

Labcorp Genetics (formerly Invitae), Labcorp
Classification: Uncertain significance for Neurofibromatosis, type 2. Last evaluated: 2020-11-26. Review status: criteria provided, single submitter. Criteria: Invitae Variant Classification Sherloc (09022015). Collection method: clinical testing. Allele origin: germline.
Comment: Algorithms developed to predict the effect of missense changes on protein structure and function (SIFT, PolyPhen-2, Align-GVGD) all suggest that this variant is likely to be tolerated, but these predictions have not been confirmed by published functional studies and their clinical significance is uncertain. This sequence change replaces methionine with isoleucine at codon 440 of the NF2 protein (p.Met440Ile). The methionine residue is highly conserved and there is a small physicochemical difference between methionine and isoleucine. This variant is not present in population databases (ExAC no frequency). This variant has not been reported in the literature in individuals with NF2-related conditions. In summary, the available evidence is currently insufficient to determine the role of this variant in disease. Therefore, it has been classified as a Variant of Uncertain Significance.